The following is an entry in ClinVar:

ClinVar aggregate classification (germline): Uncertain significance. Review status: criteria provided, multiple submitters, no conflicts (2 of 4 stars). 3 submissions from 3 submitters: Uncertain significance (3). Last evaluated 2024-10-29.

Conditions:
Polycystic kidney disease 4 (PKD4). Also called: POLYCYSTIC KIDNEY DISEASE 4 WITH OR WITHOUT POLYCYSTIC LIVER DISEASE; PKD3; Autosomal Recessive Polycystic Kidney Disease – PKHD1; POLYCYSTIC KIDNEY AND HEPATIC DISEASE 1; POLYCYSTIC KIDNEY DISEASE, INFANTILE, TYPE I. Identifiers: MedGen C4540575, MONDO:0033004, OMIM 263200.
Autosomal recessive polycystic kidney disease (ARPKD). Also called: AR polycystic kidney disease. Identifiers: Orphanet 731, Orphanet 8378, MedGen C0085548, MeSH D017044, MONDO:0009889.
Inborn genetic diseases. Identifiers: MedGen C0950123, MeSH D030342.

Allele frequency attached by ClinVar (database versions not stated): ExAC 0.00001; gnomAD 0.00002; TOPMed 0.00002.
gnomAD v4.1: 8 of 1,613,676 alleles (0.0005%); highest among the groups gnomAD compares: Non-Finnish European, 0.00059%; no homozygotes.

Submissions (3):

Labcorp Genetics (formerly Invitae), Labcorp
Classification: Uncertain significance for Autosomal recessive polycystic kidney disease. Last evaluated: 2024-10-29. Review status: criteria provided, single submitter. Criteria: Invitae Variant Classification Sherloc (09022015). Collection method: clinical testing. Allele origin: germline.
Comment: This sequence change replaces glycine, which is neutral and non-polar, with arginine, which is basic and polar, at codon 1211 of the PKHD1 protein (p.Gly1211Arg). This variant is present in population databases (rs779428574, gnomAD 0.002%). This variant has not been reported in the literature in individuals affected with PKHD1-related conditions. ClinVar contains an entry for this variant (Variation ID: 2143885). An algorithm developed to predict the effect of missense changes on protein structure and function (PolyPhen-2) suggests that this variant is likely to be disruptive. In summary, the available evidence is currently insufficient to determine the role of this variant in disease. Therefore, it has been classified as a Variant of Uncertain Significance.

Ambry Genetics
Classification: Uncertain significance for Inborn genetic diseases. Last evaluated: 2024-10-28. Review status: criteria provided, single submitter. Criteria: Ambry Variant Classification Scheme 2023. Collection method: clinical testing. Allele origin: germline.

Fulgent Genetics
Classification: Uncertain significance for Polycystic kidney disease 4. Last evaluated: 2024-04-01. Review status: criteria provided, single submitter. Criteria: ACMG Guidelines, 2015. Collection method: clinical testing. Allele origin: germline.

NM_138694.4(PKHD1):c.3631G>A (p.Gly1211Arg)

Gene: PKHD1 (PKHD1 ciliary IPT domain containing fibrocystin/polyductin; minus strand). Cytogenetic location: 6p12.2.
Variant type: single nucleotide variant.
Coding change: c.3631G>A on transcript NM_138694.4 (MANE Select); coding-DNA position 3631, G replaced by A.
Protein change: p.Gly1211Arg; replaces glycine 1211 with arginine.
Molecular consequence: missense variant.
Genome position (GRCh38, 1-based): chr6:52,026,179, C>T on the plus strand (G>A on the coding strand, the complement: PKHD1 is on the minus strand). VCF-style: chr6-52026179-C-T. GRCh37 (hg19) VCF-style: chr6-51890977-C-T.
Other names: c.3631G>A (NM_138694.3); c.3631G>A, p.Gly1211Arg (NM_170724.3); short protein forms G1211R.
Identifiers: ClinVar variation 2143885 (VCV002143885.4), dbSNP rs779428574, ClinGen allele CA3852872.